The following is an entry in ClinVar:

ClinVar aggregate classification (germline): Uncertain significance. Review status: criteria provided, multiple submitters, no conflicts (2 of 4 stars). 2 submissions from 2 submitters: Uncertain significance (2). Last evaluated 2024-10-24.

Conditions:
Emery-Dreifuss muscular dystrophy 5, autosomal dominant (EDMD5). Also called: EMERY-DREIFUSS MUSCULAR DYSTROPHY 5. Identifiers: Orphanet 261, MedGen C2751805, MONDO:0013072, OMIM 612999.

Allele frequency attached by ClinVar (database versions not stated): ExAC 0.00001; TOPMed 0.00001; gnomAD 0.00002.
gnomAD v4.1: 35 of 1,614,056 alleles (0.0022%); highest among the groups gnomAD compares: South Asian, 0.0055%; no homozygotes.

Submissions (2):

Labcorp Genetics (formerly Invitae), Labcorp
Classification: Uncertain significance for Emery-Dreifuss muscular dystrophy 5, autosomal dominant. Last evaluated: 2024-10-24. Review status: criteria provided, single submitter. Criteria: Invitae Variant Classification Sherloc (09022015). Collection method: clinical testing. Allele origin: germline.
Comment: This sequence change replaces valine, which is neutral and non-polar, with isoleucine, which is neutral and non-polar, at codon 5695 of the SYNE2 protein (p.Val5695Ile). This variant is present in population databases (rs747649889, gnomAD 0.009%). This variant has not been reported in the literature in individuals affected with SYNE2-related conditions. ClinVar contains an entry for this variant (Variation ID: 2436842). An algorithm developed to predict the effect of missense changes on protein structure and function outputs the following: PolyPhen-2: "Benign". The isoleucine amino acid residue is found in multiple mammalian species, which suggests that this missense change does not adversely affect protein function. In summary, the available evidence is currently insufficient to determine the role of this variant in disease. Therefore, it has been classified as a Variant of Uncertain Significance.

Revvity Omics, Revvity
Classification: Uncertain significance for Emery-Dreifuss muscular dystrophy 5, autosomal dominant. Last evaluated: 2021-04-26. Review status: criteria provided, single submitter. Criteria: ACMG Guidelines, 2015. Collection method: clinical testing. Allele origin: germline.

NM_182914.3(SYNE2):c.17083G>A (p.Val5695Ile)

Gene: SYNE2 (spectrin repeat containing nuclear envelope protein 2; plus strand). Cytogenetic location: 14q23.2.
Variant type: single nucleotide variant.
Coding change: c.17083G>A on transcript NM_182914.3 (MANE Select); coding-DNA position 17083, G replaced by A.
Protein change: p.Val5695Ile; replaces valine 5695 with isoleucine.
Molecular consequence: missense variant.
Genome position (GRCh38, 1-based): chr14:64,170,310, G>A. VCF-style: chr14-64170310-G-A. GRCh37 (hg19) VCF-style: chr14-64637028-G-A.
Other names: c.17083G>A, p.Val5695Ile (NM_015180.6); short protein forms V5695I.
Identifiers: ClinVar variation 2436842 (VCV002436842.5), dbSNP rs747649889, ClinGen allele CA7223592.
Genomic context (GRCh38, chr14:64,170,310, plus strand): 5'-TCAAAGCTGACGGATCGGTGGCAGAATGCTGTCCAGGGTGTTCGGCAGAGGAAGGGTGAC[G>A]TTGATGGGCTGGTGAGGCAGTGGCAAGATTTCACTACTTCTGTGGAGAACTTGTTTCGCT-3'
Protein context (NP_878918.2, residues 5685-5705): VQGVRQRKGD[Val5695Ile]DGLVRQWQDF